The following is an entry in ClinVar:

NM_000179.3(MSH6):c.209A>C (p.Lys70Thr)

Gene: MSH6 (mutS homolog 6; plus strand). Cytogenetic location: 2p16.3.
Variant type: single nucleotide variant.
Coding change: c.209A>C on transcript NM_000179.3 (MANE Select); coding-DNA position 209, A replaced by C.
Protein change: p.Lys70Thr; replaces lysine 70 with threonine.
Molecular consequence: missense variant. On other transcripts: 5 prime UTR variant (1).
Genome position (GRCh38, 1-based): chr2:47,783,442, A>C. VCF-style: chr2-47783442-A-C. GRCh37 (hg19) VCF-style: chr2-48010581-A-C.
Other names: c.209A>C, p.Lys70Thr (NM_001281492.2); c.-528A>C (NM_001281493.2); short protein forms K70T.
Identifiers: ClinVar variation 1016585 (VCV001016585.11), dbSNP rs1668133034, ClinGen allele CA346735056.

ClinVar aggregate classification (germline): Uncertain significance. Review status: criteria provided, multiple submitters, no conflicts (2 of 4 stars). 2 submissions from 2 submitters: Uncertain significance (2). Last evaluated 2020-10-16.

Conditions:
Hereditary nonpolyposis colorectal neoplasms. Identifiers: MedGen C0009405, MeSH D003123.
Hereditary cancer-predisposing syndrome. Also called: Hereditary Cancer Syndrome; Tumor predisposition; Neoplastic Syndromes, Hereditary; Hereditary neoplastic syndrome. Identifiers: Orphanet 140162, MedGen C0027672, MeSH D009386, MONDO:0015356.

Allele frequency attached by ClinVar (database versions not stated): gnomAD exomes 0.00001.
gnomAD v4.1: 9 of 1,497,820 alleles (0.0006%); highest among the groups gnomAD compares: African/African-American, 0.0014%; no homozygotes.

Submissions (2):

Labcorp Genetics (formerly Invitae), Labcorp
Classification: Uncertain significance for Hereditary nonpolyposis colorectal neoplasms. Last evaluated: 2020-10-16. Review status: criteria provided, single submitter. Criteria: Invitae Variant Classification Sherloc (09022015). Collection method: clinical testing. Allele origin: germline.
Comment: In summary, the available evidence is currently insufficient to determine the role of this variant in disease. Therefore, it has been classified as a Variant of Uncertain Significance. Advanced modeling of protein sequence and biophysical properties (such as structural, functional, and spatial information, amino acid conservation, physicochemical variation, residue mobility, and thermodynamic stability) performed at Invitae indicates that this missense variant is not expected to disrupt MSH6 protein function. This variant has not been reported in the literature in individuals with MSH6-related conditions. The frequency data for this variant in the population databases is considered unreliable, as metrics indicate insufficient coverage at this position in the ExAC database. This sequence change replaces lysine with threonine at codon 70 of the MSH6 protein (p.Lys70Thr). The lysine residue is weakly conserved and there is a moderate physicochemical difference between lysine and threonine.

Ambry Genetics
Classification: Uncertain significance for Hereditary cancer-predisposing syndrome. Last evaluated: 2020-03-23. Review status: criteria provided, single submitter. Criteria: Ambry Variant Classification Scheme 2023. Collection method: clinical testing. Allele origin: germline.
Comment: The p.K70T variant (also known as c.209A>C), located in coding exon 1 of the MSH6 gene, results from an A to C substitution at nucleotide position 209. The lysine at codon 70 is replaced by threonine, an amino acid with similar properties. This amino acid position is poorly conserved in available vertebrate species. In addition, this alteration is predicted to be tolerated by in silico analysis. Since supporting evidence is limited at this time, the clinical significance of this alteration remains unclear.